The following is an entry in ClinVar:

NM_002528.7(NTHL1):c.526-2A>G

Gene: NTHL1 (nth like DNA glycosylase 1; minus strand). Cytogenetic location: 16p13.3.
Variant type: single nucleotide variant.
Coding change: c.526-2A>G on transcript NM_002528.7 (MANE Select); the canonical splice acceptor site of the intron before coding-DNA position 526, A replaced by G.
Molecular consequence: splice acceptor variant.
Genome position (GRCh38, 1-based): chr16:2,043,728, T>C on the plus strand (A>G on the coding strand, the complement: NTHL1 is on the minus strand). VCF-style: chr16-2043728-T-C. GRCh37 (hg19) VCF-style: chr16-2093729-T-C.
Other names: c.196-2A>G (NM_001318194.2); c.355-2A>G (NM_001318193.2).
Identifiers: ClinVar variation 1747988 (VCV001747988.2), dbSNP rs2548315276, ClinGen allele CA394292675.

ClinVar aggregate classification (germline): Uncertain significance (1 of 4 stars; one submission).

Conditions:
Hereditary cancer-predisposing syndrome. Also called: Hereditary Cancer Syndrome; Hereditary neoplastic syndrome; Neoplastic Syndromes, Hereditary; Tumor predisposition. Identifiers: Orphanet 140162, MedGen C0027672, MeSH D009386, MONDO:0015356.

Submission:

Ambry Genetics
Classification: Uncertain significance for Hereditary cancer-predisposing syndrome. Last evaluated: 2022-06-01. Review status: criteria provided, single submitter. Criteria: Ambry Variant Classification Scheme 2023. Collection method: clinical testing. Allele origin: germline.
Comment: The c.550-2A>G intronic variant results from an A to G substitution two nucleotides upstream from coding exon 4 in the NTHL1 gene. Alterations that disrupt the canonical splice site are expected to result in aberrant splicing. In silico splice site analysis predicts that this alteration will weaken the native splice acceptor site and will result in the creation or strengthening of a novel splice acceptor site; however, direct evidence is insufficient at this time (Ambry internal data). The resulting transcript is predicted to be in-frame and is not expected to trigger nonsense-mediated mRNA decay; however, direct evidence is unavailable. The exact functional effect of the altered amino acid sequence is unknown. This nucleotide position is highly conserved in available vertebrate species. Since supporting evidence is limited at this time, the clinical significance of this alteration remains unclear.